The following is an entry in ClinVar:

ClinVar aggregate classification (germline): Uncertain significance. Review status: criteria provided, multiple submitters, no conflicts (2 of 4 stars). 2 submissions from 2 submitters: Uncertain significance (2). Last evaluated 2024-04-14.

Conditions:
Familial thoracic aortic aneurysm and aortic dissection (TAAD). Also called: Thoracic aortic aneurysms and dissections. Identifiers: Orphanet 91387, MedGen C4707243, MONDO:0019625.

Submissions (2):

Ambry Genetics
Classification: Uncertain significance for Familial thoracic aortic aneurysm and aortic dissection. Last evaluated: 2024-04-14. Review status: criteria provided, single submitter. Criteria: Ambry Variant Classification Scheme 2023. Collection method: clinical testing. Allele origin: germline.
Comment: The p.I40N variant (also known as c.119T>A), located in coding exon 1 of the TGFB2 gene, results from a T to A substitution at nucleotide position 119. The isoleucine at codon 40 is replaced by asparagine, an amino acid with dissimilar properties. This amino acid position is conserved. In addition, the in silico prediction for this alteration is inconclusive. Based on the available evidence, the clinical significance of this variant remains unclear.

GeneDx
Classification: Uncertain significance. Last evaluated: 2020-05-19. Review status: criteria provided, single submitter. Criteria: GeneDx Variant Classification Process June 2021. Collection method: clinical testing. Allele origin: germline. Affected: yes.
Comment: Has not been previously published as pathogenic or benign to our knowledge; Not observed in large population cohorts (Lek et al., 2016); In silico analysis supports that this missense variant has a deleterious effect on protein structure/function

NM_003238.6(TGFB2):c.119T>A (p.Ile40Asn)

Gene: TGFB2 (transforming growth factor beta 2; plus strand). Cytogenetic location: 1q41.
Variant type: single nucleotide variant.
Coding change: c.119T>A on transcript NM_003238.6 (MANE Select); coding-DNA position 119, T replaced by A.
Protein change: p.Ile40Asn; replaces isoleucine 40 with asparagine.
Molecular consequence: missense variant. On other transcripts: non-coding transcript variant (2).
Genome position (GRCh38, 1-based): chr1:218,346,820, T>A. VCF-style: chr1-218346820-T-A. GRCh37 (hg19) VCF-style: chr1-218520162-T-A.
Other names: c.119T>A, p.Ile40Asn (NM_001135599.4); short protein forms I40N.
Identifiers: ClinVar variation 1312656 (VCV001312656.3), dbSNP rs2102527486, ClinGen allele CA344725328.